The following is an entry in ClinVar:

ClinVar aggregate classification (germline): Likely benign (0 of 4 stars; one submission).

Conditions:
KCTD13-related disorder. Also called: KCTD13-related condition.

Allele frequency attached by ClinVar (database versions not stated): gnomAD exomes 0.00003; TOPMed 0.00003; ExAC 0.00005; gnomAD 0.00005; ESP Exome Variant Server 0.00008; 1000 Genomes Project 30x 0.00016; 1000 Genomes Project 0.00020.
gnomAD v4.1: 44 of 1,614,166 alleles (0.0027%); highest among the groups gnomAD compares: African/African-American, 0.004%; no homozygotes.

Submission:

PreventionGenetics, part of Exact Sciences
Classification: Likely benign for KCTD13-related condition. Last evaluated: 2019-04-03. Review status: no assertion criteria provided. Collection method: clinical testing. Allele origin: germline.
Comment: This variant is classified as likely benign based on ACMG/AMP sequence variant interpretation guidelines (Richards et al. 2015 PMID: 25741868, with internal and published modifications).

NM_178863.5(KCTD13):c.681C>T (p.Tyr227=)

Genes: ASPHD1 (aspartate beta-hydroxylase domain containing 1; plus strand), KCTD13 (potassium channel tetramerization domain containing 13; minus strand). Cytogenetic location: 16p11.2.
Variant type: single nucleotide variant.
Coding change: c.681C>T on transcript NM_178863.5 (MANE Select); coding-DNA position 681, C replaced by T.
Protein change: p.Tyr227=; no amino-acid change (tyrosine 227 retained).
Molecular consequence: synonymous variant. On other transcripts: non-coding transcript variant (1).
Genome position (GRCh38, 1-based): chr16:29,911,050, G>A on the plus strand (C>T on the coding strand, the complement: KCTD13 is on the minus strand). VCF-style: chr16-29911050-G-A. GRCh37 (hg19) VCF-style: chr16-29922371-G-A.
Identifiers: ClinVar variation 3057318 (VCV003057318.2), dbSNP rs143894366, ClinGen allele CA7997214.